The following is an entry in ClinVar:

NM_213599.3(ANO5):c.1332+6C>A

Gene: ANO5 (anoctamin 5; plus strand). Cytogenetic location: 11p14.3.
Variant type: single nucleotide variant.
Coding change: c.1332+6C>A on transcript NM_213599.3 (MANE Select); 6 bases into the intron after coding-DNA position 1332, C replaced by A.
Molecular consequence: intron variant.
Genome position (GRCh38, 1-based): chr11:22,255,528, C>A. VCF-style: chr11-22255528-C-A. GRCh37 (hg19) VCF-style: chr11-22277074-C-A.
Other names: c.1329+6C>A (NM_001142649.2).
Identifiers: ClinVar variation 1190703 (VCV001190703.2), dbSNP rs752170991, ClinGen allele CA597911359.

ClinVar aggregate classification (germline): Likely benign (1 of 4 stars; one submission).

Submission:

GeneDx
Classification: Likely benign. Last evaluated: 2020-03-10. Review status: criteria provided, single submitter. Criteria: GeneDx Variant Classification Process June 2021. Collection method: clinical testing. Allele origin: germline. Affected: yes.
Comment: Not observed in large population cohorts (Lek et al., 2016); In silico analysis supports that this variant does not alter splicing